The following is an entry in ClinVar:

NM_020812.4(DOCK6):c.268C>T (p.Arg90Trp)

Gene: DOCK6 (dedicator of cytokinesis 6; minus strand). Cytogenetic location: 19p13.2.
Variant type: single nucleotide variant.
Coding change: c.268C>T on transcript NM_020812.4 (MANE Select); coding-DNA position 268, C replaced by T.
Protein change: p.Arg90Trp; replaces arginine 90 with tryptophan.
Molecular consequence: missense variant.
Genome position (GRCh38, 1-based): chr19:11,252,823, G>A on the plus strand (C>T on the coding strand, the complement: DOCK6 is on the minus strand). VCF-style: chr19-11252823-G-A. GRCh37 (hg19) VCF-style: chr19-11363499-G-A.
Other names: c.268C>T, p.Arg90Trp (NM_001367830.1); short protein forms R90W.
Identifiers: ClinVar variation 1373567 (VCV001373567.5), dbSNP rs777212600, ClinGen allele CA9208582.

ClinVar aggregate classification (germline): Uncertain significance (1 of 4 stars; one submission).

Allele frequency attached by ClinVar (database versions not stated): TOPMed 0.00002.
gnomAD v4.1: 14 of 1,613,366 alleles (0.00087%); highest among the groups gnomAD compares: Non-Finnish European, 0.0011%; no homozygotes.

Submission:

Labcorp Genetics (formerly Invitae), Labcorp
Classification: Uncertain significance. Last evaluated: 2022-08-23. Review status: criteria provided, single submitter. Criteria: Invitae Variant Classification Sherloc (09022015). Collection method: clinical testing. Allele origin: germline.
Comment: This sequence change replaces arginine, which is basic and polar, with tryptophan, which is neutral and slightly polar, at codon 90 of the DOCK6 protein (p.Arg90Trp). This variant is present in population databases (rs777212600, gnomAD 0.003%). This variant has not been reported in the literature in individuals affected with DOCK6-related conditions. ClinVar contains an entry for this variant (Variation ID: 1373567). Algorithms developed to predict the effect of missense changes on protein structure and function are either unavailable or do not agree on the potential impact of this missense change (SIFT: "Deleterious"; PolyPhen-2: "Probably Damaging"; Align-GVGD: "Class C0"). In summary, the available evidence is currently insufficient to determine the role of this variant in disease. Therefore, it has been classified as a Variant of Uncertain Significance.